The following is an entry in ClinVar:

ClinVar aggregate classification (germline): Uncertain significance (1 of 4 stars; one submission).

Conditions:
Intellectual developmental disorder, X-linked, syndromic 33. Also called: Intellectual disability, X-linked, syndromic 33; X-linked intellectual disability-global development delay-facial dysmorphism-sacral caudal remnant syndrome. Identifiers: Orphanet 480907, MedGen C4225418, MONDO:0010500, OMIM 300966.

Allele frequency attached by ClinVar (database versions not stated): gnomAD exomes below 0.00001.
gnomAD v4.1: 1 of 1,173,849 alleles (0.000085%); highest among the groups gnomAD compares: South Asian, 0.0018%; no homozygotes.

Submission:

Baylor Genetics
Classification: Uncertain significance for Intellectual developmental disorder, X-linked, syndromic 33. Last evaluated: 2019-11-13. Review status: criteria provided, single submitter. Criteria: ACMG Guidelines, 2015. Collection method: clinical testing. Allele origin: unknown. Affected: yes.
Comment: This variant was determined to be of uncertain significance according to ACMG Guidelines, 2015 [PMID:25741868].

NM_004606.5(TAF1):c.4452+3A>G

Gene: TAF1 (TATA-box binding protein associated factor 1; plus strand). Cytogenetic location: Xq13.1.
Variant type: single nucleotide variant.
Coding change: c.4452+3A>G on transcript NM_004606.5 (MANE Select); 3 bases into the intron after coding-DNA position 4452, A replaced by G.
Molecular consequence: intron variant.
Genome position (GRCh38, 1-based): chrX:71,421,379, A>G. VCF-style: chrX-71421379-A-G. GRCh37 (hg19) VCF-style: chrX-70641229-A-G.
Other names: c.4452+3A>G (NM_001286074.2); c.4389+3A>G (NM_138923.4).
Identifiers: ClinVar variation 1028278 (VCV001028278.1), dbSNP rs2036334224, ClinGen allele CA2436458368.